The following is an entry in ClinVar:

NM_001040260.4(DCLK2):c.2193T>C (p.Pro731=)

Gene: DCLK2 (doublecortin like kinase 2; plus strand). Cytogenetic location: 4q31.3.
Variant type: single nucleotide variant.
Coding change: c.2193T>C on transcript NM_001040260.4 (MANE Select); coding-DNA position 2193, T replaced by C.
Protein change: p.Pro731=; no amino-acid change (proline 731 retained).
Molecular consequence: synonymous variant. On other transcripts: non-coding transcript variant (1).
Genome position (GRCh38, 1-based): chr4:150,256,139, T>C. VCF-style: chr4-150256139-T-C. GRCh37 (hg19) VCF-style: chr4-151177291-T-C.
Other names: c.2244T>C, p.Pro748= (NM_001040261.5); c.2190T>C, p.Pro730= (NM_001410852.1).
Identifiers: ClinVar variation 2655121 (VCV002655121.24), dbSNP rs150185095, ClinGen allele CA3101245.

ClinVar aggregate classification (germline): Likely benign (1 of 4 stars; one submission).

Allele frequency attached by ClinVar (database versions not stated): 1000 Genomes Project 30x 0.00016; 1000 Genomes Project 0.00020; gnomAD 0.00045; ESP Exome Variant Server 0.00046; TOPMed 0.00048; ExAC 0.00056; gnomAD exomes 0.00076.
gnomAD v4.1: 1,162 of 1,609,874 alleles (0.072%); highest among the groups gnomAD compares: Middle Eastern, 0.19%; 2 homozygotes.

Submission:

CeGaT Center for Human Genetics Tuebingen
Classification: Likely benign. Last evaluated: 2022-08-01. Review status: criteria provided, single submitter. Criteria: CeGaT Center For Human Genetics Tuebingen Variant Classification Criteria Version 2. Collection method: clinical testing. Allele origin: germline. Affected: yes. Observed: 1 variant allele.
Comment: DCLK2: BP4, BP7